The following is an entry in ClinVar:

ClinVar aggregate classification (germline): Pathogenic (1 of 4 stars; one submission).

Conditions:
Gorlin syndrome. Also called: Basal cell nevus syndrome; Nevoid Basal Cell Carcinoma Syndrome. Identifiers: Orphanet 377, MedGen C0004779, MONDO:0007187.

Submission:

Labcorp Genetics (formerly Invitae), Labcorp
Classification: Pathogenic for Gorlin syndrome. Last evaluated: 2022-02-07. Review status: criteria provided, single submitter. Criteria: Invitae Variant Classification Sherloc (09022015). Collection method: clinical testing. Allele origin: germline.
Comment: This premature translational stop signal has been observed in individual(s) with Gorlin syndrome (PMID: 28342698). This sequence change creates a premature translational stop signal (p.Ser733*) in the PTCH1 gene. It is expected to result in an absent or disrupted protein product. Loss-of-function variants in PTCH1 are known to be pathogenic (PMID: 16301862, 16419085). This variant is not present in population databases (gnomAD no frequency). ClinVar contains an entry for this variant (Variation ID: 952866). For these reasons, this variant has been classified as Pathogenic.

Literature cited by the submitters: PubMed 28342698; PubMed 16301862; PubMed 16419085.

NM_000264.5(PTCH1):c.2198C>A (p.Ser733Ter)

Genes: PTCH1 (patched 1; minus strand), LOC100507346 (uncharacterized LOC100507346; plus strand). Cytogenetic location: 9q22.32.
Variant type: single nucleotide variant.
Coding change: c.2198C>A on transcript NM_000264.5 (MANE Select); coding-DNA position 2198, C replaced by A.
Protein change: p.Ser733Ter; replaces serine 733 with a stop codon.
Molecular consequence: nonsense. On other transcripts: non-coding transcript variant (2).
Genome position (GRCh38, 1-based): chr9:95,468,803, G>T on the plus strand (C>A on the coding strand, the complement: PTCH1 is on the minus strand). VCF-style: chr9-95468803-G-T. GRCh37 (hg19) VCF-style: chr9-98231085-G-T.
Other names: c.2000C>A, p.Ser667Ter (NM_001083602.3); c.2195C>A, p.Ser732Ter (NM_001083603.3); c.1745C>A, p.Ser582Ter (NM_001083604.3, NM_001083605.3, NM_001083606.3 and 1 more transcripts); c.2042C>A, p.Ser681Ter (NM_001354918.2); short protein forms S582*, S681*, S732*, S733*, S667*.
Identifiers: ClinVar variation 952866 (VCV000952866.10), dbSNP rs1311804361, ClinGen allele CA374115358.
Genomic context (GRCh38, chr9:95,468,803, plus strand): 5'-CAGATTACCTTGGCTTTTGGTTTCAAGAGGAAAGGAGCATAGTGCTTCTCAGCAAAAGAT[G>T]AGAGTGTCCACTTCGTACAGGGGGGCTCGAGGCAGTGGAGGCTGGAGTCGGAGAACTGGG-3'